The following is an entry in ClinVar:

ClinVar aggregate classification (germline): Uncertain significance. Review status: criteria provided, single submitter (1 of 4 stars). 2 submissions from 2 submitters: Uncertain significance (1). 1 of the submissions does not count toward it. Last evaluated 2025-12-04.

Conditions:
PLXNA2-related disorder. Also called: PLXNA2-related condition.

Allele frequency attached by ClinVar (database versions not stated): gnomAD 0.00003; TOPMed 0.00004; ExAC 0.00004.

Submissions (2):

Ambry Genetics
Classification: Uncertain significance. Last evaluated: 2025-12-04. Review status: criteria provided, single submitter. Criteria: Ambry Variant Classification Scheme 2023. Collection method: clinical testing. Allele origin: germline.

PreventionGenetics, part of Exact Sciences
Classification: Uncertain significance for PLXNA2-related condition. Last evaluated: 2024-05-01. Review status: no assertion criteria provided. Collection method: clinical testing. Allele origin: germline. Not counted in ClinVar's aggregate classification.
Comment: The PLXNA2 c.1381G>A variant is predicted to result in the amino acid substitution p.Asp461Asn. To our knowledge, this variant has not been reported in the literature. This variant is reported in 0.014% of alleles in individuals of South Asian descent in gnomAD. At this time, the clinical significance of this variant is uncertain due to the absence of conclusive functional and genetic evidence.

NM_025179.4(PLXNA2):c.1381G>A (p.Asp461Asn)

Gene: PLXNA2 (plexin A2; minus strand). Cytogenetic location: 1q32.2.
Variant type: single nucleotide variant.
Coding change: c.1381G>A on transcript NM_025179.4 (MANE Select); coding-DNA position 1381, G replaced by A.
Protein change: p.Asp461Asn; replaces aspartic acid 461 with asparagine.
Molecular consequence: missense variant.
Genome position (GRCh38, 1-based): chr1:208,142,454, C>T on the plus strand (G>A on the coding strand, the complement: PLXNA2 is on the minus strand). VCF-style: chr1-208142454-C-T. GRCh37 (hg19) VCF-style: chr1-208315799-C-T.
Other names: short protein forms D461N.
Identifiers: ClinVar variation 2206130 (VCV002206130.5), dbSNP rs763448190, ClinGen allele CA1373870.